The following is an entry in ClinVar:

NM_022173.4(TIA1):c.425C>T (p.Ala142Val)

Gene: TIA1 (TIA1 cytotoxic granule associated RNA binding protein; minus strand). Cytogenetic location: 2p13.3.
Variant type: single nucleotide variant.
Coding change: c.425C>T on transcript NM_022173.4 (MANE Select); coding-DNA position 425, C replaced by T.
Protein change: p.Ala142Val; replaces alanine 142 with valine.
Molecular consequence: missense variant. On other transcripts: 3 prime UTR variant (2), non-coding transcript variant (17).
Genome position (GRCh38, 1-based): chr2:70,224,603, G>A on the plus strand (C>T on the coding strand, the complement: TIA1 is on the minus strand). VCF-style: chr2-70224603-G-A. GRCh37 (hg19) VCF-style: chr2-70451735-G-A.
Other names: c.425C>T, p.Ala142Val (NM_001351508.2, NM_001351516.2, NM_001351518.2 and 1 more transcripts); c.398C>T, p.Ala133Val (NM_001351509.2); c.392C>T, p.Ala131Val (NM_001351510.2, NM_001351521.2, NM_022037.4); c.314C>T, p.Ala105Val (NM_001351511.1); c.287C>T, p.Ala96Val (NM_001351512.1); c.281C>T, p.Ala94Val (NM_001351513.1); c.197C>T, p.Ala66Val (NM_001351514.2, NM_001351523.2); c.122C>T, p.Ala41Val (NM_001351515.2); and 3 more; short protein forms A142V, A131V, A2V, A41V, A94V, A105V, A96V, A133V.
Identifiers: ClinVar variation 3716925 (VCV003716925.3).

ClinVar aggregate classification (germline): Uncertain significance (1 of 4 stars; one submission).

Conditions:
Welander distal myopathy (WDM). Also called: Gower's muscular dystrophy; Welander distal myopathy, Swedish type; Distal myopathy, Swedish type; MUSCULAR DYSTROPHY, DISTAL, LATE-ONSET, AUTOSOMAL DOMINANT. Identifiers: Orphanet 603, MedGen C0221054, MONDO:0011466, OMIM 604454.

gnomAD v4.1: 4 of 1,613,750 alleles (0.00025%); highest among the groups gnomAD compares: African/African-American, 0.0053%; no homozygotes.

Submissions (2):

Labcorp Genetics (formerly Invitae), Labcorp
Classification: Uncertain significance for Welander distal myopathy. Last evaluated: 2024-07-01. Review status: criteria provided, single submitter. Criteria: Invitae Variant Classification Sherloc (09022015). Collection method: clinical testing. Allele origin: germline.
Comment: This sequence change replaces alanine, which is neutral and non-polar, with valine, which is neutral and non-polar, at codon 142 of the TIA1 protein (p.Ala142Val). This variant is present in population databases (rs372738231, gnomAD 0.007%). This variant has not been reported in the literature in individuals affected with TIA1-related conditions. An algorithm developed to predict the effect of missense changes on protein structure and function (PolyPhen-2) suggests that this variant is likely to be tolerated. Algorithms developed to predict the effect of sequence changes on RNA splicing suggest that this variant may disrupt the consensus splice site. In summary, the available evidence is currently insufficient to determine the role of this variant in disease. Therefore, it has been classified as a Variant of Uncertain Significance.

Dr. Peter K. Rogan Lab, Western University
No classification provided (evidence only). Condition: Squamous cell lung carcinoma. Review status: no classification provided. Collection method: in vitro. Allele origin: not applicable. Functional consequence: retained intron. Not counted in ClinVar's aggregate classification.